The following is an entry in ClinVar:

NM_001379610.1(SPINK1):c.7G>A (p.Val3Ile)

Gene: SPINK1 (serine peptidase inhibitor Kazal type 1; minus strand). Cytogenetic location: 5q32.
Variant type: single nucleotide variant.
Coding change: c.7G>A on transcript NM_001379610.1 (MANE Select); coding-DNA position 7, G replaced by A.
Protein change: p.Val3Ile; replaces valine 3 with isoleucine.
Molecular consequence: missense variant.
Genome position (GRCh38, 1-based): chr5:147,831,571, C>T on the plus strand (G>A on the coding strand, the complement: SPINK1 is on the minus strand). VCF-style: chr5-147831571-C-T. GRCh37 (hg19) VCF-style: chr5-147211134-C-T.
Other names: c.7G>A, p.Val3Ile (NM_001354966.2, NM_003122.5); short protein forms V3I.
Identifiers: ClinVar variation 1761598 (VCV001761598.2), dbSNP rs1463001478, ClinGen allele CA361885578.

ClinVar aggregate classification (germline): Uncertain significance (1 of 4 stars; one submission).

Conditions:
Hereditary pancreatitis (PCTT). Also called: Hereditary chronic pancreatitis; PRSS1-Related Hereditary Pancreatitis. Identifiers: Orphanet 676, MedGen C0238339, MONDO:0008185, OMIM 167800.

gnomAD v4.1: 3 of 1,613,582 alleles (0.00019%); highest among the groups gnomAD compares: Non-Finnish European, 0.00017%; no homozygotes.

Submission:

Ambry Genetics
Classification: Uncertain significance for Hereditary pancreatitis. Last evaluated: 2023-09-29. Review status: criteria provided, single submitter. Criteria: Ambry Variant Classification Scheme 2023. Collection method: clinical testing. Allele origin: germline.
Comment: The p.V3I variant (also known as c.7G>A), located in coding exon 1 of the SPINK1 gene, results from a G to A substitution at nucleotide position 7. The valine at codon 3 is replaced by isoleucine, an amino acid with highly similar properties. This amino acid position is not well conserved in available vertebrate species. In addition, this alteration is predicted to be tolerated by in silico analysis. Since supporting evidence is limited at this time, the clinical significance of this alteration remains unclear.